The following is an entry in ClinVar:

ClinVar aggregate classification (germline): Conflicting classifications of pathogenicity. Review status: criteria provided, conflicting classifications (1 of 4 stars). 3 submissions from 3 submitters: Uncertain significance (2); Benign (1). Last evaluated 2026-02-01.

Conditions:
Age related macular degeneration 14. Also called: MACULAR DEGENERATION, AGE-RELATED, 14, REDUCED RISK OF. Identifiers: MedGen C3809653, MONDO:0014207, OMIM 615489.
Complement component 2 deficiency (C2D). Also called: C2 deficiency. Identifiers: MedGen C0398756, MONDO:0009006, OMIM 217000.

Allele frequency attached by ClinVar (database versions not stated): gnomAD exomes 0.00020 and 0.00046; ESP Exome Variant Server 0.00024; TOPMed 0.00024; gnomAD 0.00029 and 0.00031; ExAC 0.00038.
gnomAD v4.1: 357 of 1,612,598 alleles (0.022%); highest among the groups gnomAD compares: Admixed American, 0.0083%; 1 homozygote.

Submissions (3):

Labcorp Genetics (formerly Invitae), Labcorp
Classification: Benign. Last evaluated: 2026-02-01. Review status: criteria provided, single submitter. Criteria: Invitae Variant Classification Sherloc (09022015). Collection method: clinical testing. Allele origin: germline.

Illumina Laboratory Services, Illumina
Classification: Uncertain significance for Age related macular degeneration 14. Last evaluated: 2018-01-13. Review status: criteria provided, single submitter. Criteria: ICSL Variant Classification Criteria 13 December 2019. Collection method: clinical testing. Allele origin: germline.

Center for Genomics, Ann and Robert H. Lurie Children's Hospital of Chicago
Classification: Uncertain significance for Complement component 2 deficiency; Age related macular degeneration 14. Review status: criteria provided, single submitter. Criteria: ACMG Guidelines, 2015. Collection method: clinical testing. Allele origin: germline.
Comment: C2 NM_000063.5 exon 11 p.Ile484Val (c.1450A>G): This variant has not been reported in the literature but is present in 0.8% (90/10258) of Ashkenazi Jewish alleles, including 1 homozygote, in the Genome Aggregation Database. This variant is present in ClinVar (Variation ID:356250). Evolutionary conservation for this variant is unclear;computational predictive tools suggest that this variant may not impact the protein. In summary, data on this variant is insufficient for disease classification. Therefore, the clinical significance of this variant is uncertain

NM_000063.6(C2):c.1450A>G (p.Ile484Val)

Gene: C2 (complement C2; plus strand). Cytogenetic location: 6p21.33.
Variant type: single nucleotide variant.
Coding change: c.1450A>G on transcript NM_000063.6 (MANE Select); coding-DNA position 1450, A replaced by G.
Protein change: p.Ile484Val; replaces isoleucine 484 with valine.
Molecular consequence: missense variant.
Genome position (GRCh38, 1-based): chr6:31,943,314, A>G. VCF-style: chr6-31943314-A-G. GRCh37 (hg19) VCF-style: chr6-31911091-A-G.
Other names: c.1054A>G, p.Ile352Val (NM_001145903.3); c.808A>G, p.Ile270Val (NM_001178063.3); c.712A>G, p.Ile238Val (NM_001282457.2); c.1363A>G, p.Ile455Val (NM_001282458.2); short protein forms I484V, I455V, I352V, I238V, I270V.
Identifiers: ClinVar variation 356250 (VCV000356250.15), dbSNP rs145988012, ClinGen allele CA3727701.